The following is an entry in ClinVar:

ClinVar aggregate classification (germline): Uncertain significance. Review status: criteria provided, multiple submitters, no conflicts (2 of 4 stars). 2 submissions from 2 submitters: Uncertain significance (2). Last evaluated 2024-12-04.

gnomAD v4.1: 8 of 1,608,328 alleles (0.0005%); highest among the groups gnomAD compares: South Asian, 0.0011%; no homozygotes.

Submissions (2):

Women's Health and Genetics/Laboratory Corporation of America, LabCorp
Classification: Uncertain significance. Last evaluated: 2024-12-04. Review status: criteria provided, single submitter. Criteria: LabCorp Variant Classification Summary - May 2015. Collection method: clinical testing. Allele origin: germline.
Comment: Variant summary: GRIN2A c.58G>T (p.Gly20Cys) results in a non-conservative amino acid change in the encoded protein sequence. Four of five in-silico tools predict a benign effect of the variant on protein function. The variant allele was found at a frequency of 4.2e-06 in 239088 control chromosomes. The available data on variant occurrences in the general population are insufficient to allow any conclusion about variant significance. To our knowledge, no occurrence of c.58G>T in individuals affected with Epilepsy, Focal, With Speech Disorder And With Or Without Mental Retardation and no experimental evidence demonstrating its impact on protein function have been reported. No submitters have cited clinical-significance assessments for this variant to ClinVar. Based on the evidence outlined above, the variant was classified as uncertain significance.

Blueprint Genetics
Classification: Uncertain significance. Last evaluated: 2022-11-02. Review status: criteria provided, single submitter. Criteria: ACMG Guidelines, 2015. Collection method: clinical testing. Allele origin: germline.

NM_001134407.3(GRIN2A):c.58G>T (p.Gly20Cys)

Gene: GRIN2A (glutamate ionotropic receptor NMDA type subunit 2A; minus strand). Cytogenetic location: 16p13.2.
Variant type: single nucleotide variant.
Coding change: c.58G>T on transcript NM_001134407.3 (MANE Select); coding-DNA position 58, G replaced by T.
Protein change: p.Gly20Cys; replaces glycine 20 with cysteine.
Molecular consequence: missense variant.
Genome position (GRCh38, 1-based): chr16:10,180,354, C>A on the plus strand (G>T on the coding strand, the complement: GRIN2A is on the minus strand). VCF-style: chr16-10180354-C-A. GRCh37 (hg19) VCF-style: chr16-10274211-C-A.
Other names: c.58G>T, p.Gly20Cys (NM_000833.5, NM_001134408.2); short protein forms G20C.
Identifiers: ClinVar variation 3768273 (VCV003768273.2).